The following is an entry in ClinVar:

NM_004369.4(COL6A3):c.9070G>A (p.Val3024Ile)

Gene: COL6A3 (collagen type VI alpha 3 chain; minus strand). Cytogenetic location: 2q37.3.
Variant type: single nucleotide variant.
Coding change: c.9070G>A on transcript NM_004369.4 (MANE Select); coding-DNA position 9070, G replaced by A.
Protein change: p.Val3024Ile; replaces valine 3024 with isoleucine.
Molecular consequence: missense variant.
Genome position (GRCh38, 1-based): chr2:237,334,785, C>T on the plus strand (G>A on the coding strand, the complement: COL6A3 is on the minus strand). VCF-style: chr2-237334785-C-T. GRCh37 (hg19) VCF-style: chr2-238243428-C-T.
Other names: c.9070G>A (NM_004369.3); c.7249G>A, p.Val2417Ile (NM_057166.5); c.8452G>A, p.Val2818Ile (NM_057167.4); short protein forms V2417I, V2818I, V3024I.
Identifiers: ClinVar variation 1035845 (VCV001035845.10), dbSNP rs769756403, ClinGen allele CA2187366.

ClinVar aggregate classification (germline): Conflicting classifications of pathogenicity. Review status: criteria provided, conflicting classifications (1 of 4 stars). 2 submissions from 2 submitters: Uncertain significance (1); Likely benign (1). Last evaluated 2025-05-26.

Conditions:
Bethlem myopathy 1A. Also called: Bethlem Muscular Dystrophy; MYOPATHY, BENIGN CONGENITAL, WITH CONTRACTURES; Bethlem myopathy 1. Identifiers: Orphanet 610, MedGen CN029274, MONDO:0024530, OMIM 158810.

Allele frequency attached by ClinVar (database versions not stated): gnomAD 0.00001; gnomAD exomes 0.00001 and 0.00002; ExAC 0.00002; TOPMed 0.00003.
gnomAD v4.1: 29 of 1,614,090 alleles (0.0018%); highest among the groups gnomAD compares: Non-Finnish European, 0.0023%; no homozygotes.

Submissions (2):

Labcorp Genetics (formerly Invitae), Labcorp
Classification: Likely benign for Bethlem myopathy 1A. Last evaluated: 2025-05-26. Review status: criteria provided, single submitter. Criteria: Invitae Variant Classification Sherloc (09022015). Collection method: clinical testing. Allele origin: germline.

GeneDx
Classification: Uncertain significance. Last evaluated: 2024-02-26. Review status: criteria provided, single submitter. Criteria: GeneDx Variant Classification Process June 2021. Collection method: clinical testing. Allele origin: germline. Affected: yes.
Comment: Not observed at significant frequency in large population cohorts (gnomAD); In silico analysis supports that this missense variant does not alter protein structure/function; Has not been previously published as pathogenic or benign to our knowledge